The following is an entry in ClinVar:

ClinVar aggregate classification (germline): Uncertain significance (1 of 4 stars; one submission).

Allele frequency attached by ClinVar (database versions not stated): ExAC 0.00001.
gnomAD v4.1: 6 of 1,591,906 alleles (0.00038%); highest among the groups gnomAD compares: South Asian, 0.0055%; no homozygotes.

Submission:

Ambry Genetics
Classification: Uncertain significance. Last evaluated: 2024-01-28. Review status: criteria provided, single submitter. Criteria: Ambry Variant Classification Scheme 2023. Collection method: clinical testing. Allele origin: germline.
Comment: The p.G2392E variant (also known as c.7175G>A), located in coding exon 26 of the POLQ gene, results from a G to A substitution at nucleotide position 7175. The glycine at codon 2392 is replaced by glutamic acid, an amino acid with similar properties. This amino acid position is conserved. In addition, this alteration is predicted to be deleterious by in silico analysis. Since supporting evidence is limited at this time, the clinical significance of this alteration remains unclear.

NM_199420.4(POLQ):c.7175G>A (p.Gly2392Glu)

Gene: POLQ (DNA polymerase theta; minus strand). Cytogenetic location: 3q13.33.
Variant type: single nucleotide variant.
Coding change: c.7175G>A on transcript NM_199420.4 (MANE Select); coding-DNA position 7175, G replaced by A.
Protein change: p.Gly2392Glu; replaces glycine 2392 with glutamic acid.
Molecular consequence: missense variant.
Genome position (GRCh38, 1-based): chr3:121,449,404, C>T on the plus strand (G>A on the coding strand, the complement: POLQ is on the minus strand). VCF-style: chr3-121449404-C-T. GRCh37 (hg19) VCF-style: chr3-121168251-C-T.
Other names: short protein forms G2392E.
Identifiers: ClinVar variation 1757487 (VCV001757487.2), dbSNP rs776674811, ClinGen allele CA2562251.